The following is an entry in ClinVar:

NM_005022.4(PFN1):c.38C>T (p.Ala13Val)

Gene: PFN1 (profilin 1; minus strand). Cytogenetic location: 17p13.2.
Variant type: single nucleotide variant.
Coding change: c.38C>T on transcript NM_005022.4 (MANE Select); coding-DNA position 38, C replaced by T.
Protein change: p.Ala13Val; replaces alanine 13 with valine.
Molecular consequence: missense variant.
Genome position (GRCh38, 1-based): chr17:4,948,357, G>A on the plus strand (C>T on the coding strand, the complement: PFN1 is on the minus strand). VCF-style: chr17-4948357-G-A. GRCh37 (hg19) VCF-style: chr17-4851652-G-A.
Other names: c.38C>T, p.Ala13Val (NM_001375991.1); short protein forms A13V.
Identifiers: ClinVar variation 2905881 (VCV002905881.3), dbSNP rs2507692414, ClinGen allele CA397277983.

ClinVar aggregate classification (germline): Uncertain significance (1 of 4 stars; one submission).

Allele frequency attached by ClinVar (database versions not stated): gnomAD exomes below 0.00001.
gnomAD v4.1: 1 of 1,610,300 alleles (0.000062%); highest among the groups gnomAD compares: Non-Finnish European, 0.000085%; no homozygotes.

Submission:

Labcorp Genetics (formerly Invitae), Labcorp
Classification: Uncertain significance. Last evaluated: 2023-03-12. Review status: criteria provided, single submitter. Criteria: Invitae Variant Classification Sherloc (09022015). Collection method: clinical testing. Allele origin: germline.
Comment: In summary, the available evidence is currently insufficient to determine the role of this variant in disease. Therefore, it has been classified as a Variant of Uncertain Significance. An algorithm developed to predict the effect of missense changes on protein structure and function (PolyPhen-2) suggests that this variant is likely to be tolerated. This variant has not been reported in the literature in individuals affected with PFN1-related conditions. This variant is not present in population databases (gnomAD no frequency). This sequence change replaces alanine, which is neutral and non-polar, with valine, which is neutral and non-polar, at codon 13 of the PFN1 protein (p.Ala13Val).